The following is an entry in ClinVar:

NM_017636.4(TRPM4):c.2642G>C (p.Cys881Ser)

Gene: TRPM4 (transient receptor potential cation channel subfamily M member 4; plus strand). Cytogenetic location: 19q13.33.
Variant type: single nucleotide variant.
Coding change: c.2642G>C on transcript NM_017636.4 (MANE Select); coding-DNA position 2642, G replaced by C.
Protein change: p.Cys881Ser; replaces cysteine 881 with serine.
Molecular consequence: missense variant. On other transcripts: intron variant (1).
Genome position (GRCh38, 1-based): chr19:49,196,871, G>C. VCF-style: chr19-49196871-G-C. GRCh37 (hg19) VCF-style: chr19-49700128-G-C.
Other names: c.2297G>C, p.Cys766Ser (NM_001321281.2); c.1034G>C, p.Cys345Ser (NM_001321282.2); c.2120G>C, p.Cys707Ser (NM_001321283.2); c.1580G>C, p.Cys527Ser (NM_001321285.2); c.2211-3429G>C (NM_001195227.2); short protein forms C345S, C527S, C707S, C766S, C881S.
Identifiers: ClinVar variation 1052686 (VCV001052686.9), dbSNP rs969529481, ClinGen allele CA309455470.

ClinVar aggregate classification (germline): Uncertain significance (1 of 4 stars; one submission).

Conditions:
Progressive familial heart block type IB (PFHB1B). Identifiers: Orphanet 871, MedGen C1970298, MONDO:0011474, OMIM 604559.

Allele frequency attached by ClinVar (database versions not stated): gnomAD exomes below 0.00001.
gnomAD v4.1: 1 of 1,578,372 alleles (0.000063%); highest among the groups gnomAD compares: Non-Finnish European, 0.000085%; no homozygotes.

Submission:

Labcorp Genetics (formerly Invitae), Labcorp
Classification: Uncertain significance for Progressive familial heart block type IB. Last evaluated: 2020-06-18. Review status: criteria provided, single submitter. Criteria: Invitae Variant Classification Sherloc (09022015). Collection method: clinical testing. Allele origin: germline.
Comment: This sequence change replaces cysteine with serine at codon 881 of the TRPM4 protein (p.Cys881Ser). The cysteine residue is moderately conserved and there is a moderate physicochemical difference between cysteine and serine. This variant is not present in population databases (ExAC no frequency). This variant has not been reported in the literature in individuals with TRPM4-related conditions. Algorithms developed to predict the effect of missense changes on protein structure and function are either unavailable or do not agree on the potential impact of this missense change (SIFT: "Tolerated"; PolyPhen-2: "Probably Damaging"; Align-GVGD: "Class C0"). In summary, the available evidence is currently insufficient to determine the role of this variant in disease. Therefore, it has been classified as a Variant of Uncertain Significance.